The following is an entry in ClinVar:

ClinVar aggregate classification (germline): Likely benign (0 of 4 stars; one submission).

Conditions:
SIX2-related disorder. Also called: SIX2-related condition.

Submission:

PreventionGenetics, part of Exact Sciences
Classification: Likely benign for SIX2-related condition. Last evaluated: 2021-06-15. Review status: no assertion criteria provided. Collection method: clinical testing. Allele origin: germline.
Comment: This variant is classified as likely benign based on ACMG/AMP sequence variant interpretation guidelines (Richards et al. 2015 PMID: 25741868, with internal and published modifications).

NM_016932.5(SIX2):c.-7C>G

Gene: SIX2 (SIX homeobox 2; minus strand). Cytogenetic location: 2p21.
Variant type: single nucleotide variant.
Coding change: c.-7C>G on transcript NM_016932.5 (MANE Select); 7 bases upstream of the start codon, C replaced by G.
Molecular consequence: 5 prime UTR variant.
Genome position (GRCh38, 1-based): chr2:45,009,117, G>C on the plus strand (C>G on the coding strand, the complement: SIX2 is on the minus strand). VCF-style: chr2-45009117-G-C. GRCh37 (hg19) VCF-style: chr2-45236256-G-C.
Identifiers: ClinVar variation 3037201 (VCV003037201.2), dbSNP rs1036544667, ClinGen allele CA2576956426.